The following is an entry in ClinVar:

NM_001384474.1(LOXHD1):c.4864C>T (p.Gln1622Ter)

Gene: LOXHD1 (lipoxygenase homology PLAT domains 1; minus strand). Cytogenetic location: 18q21.1.
Variant type: single nucleotide variant.
Coding change: c.4864C>T on transcript NM_001384474.1 (MANE Select); coding-DNA position 4864, C replaced by T.
Protein change: p.Gln1622Ter; replaces glutamine 1622 with a stop codon.
Molecular consequence: nonsense.
Genome position (GRCh38, 1-based): chr18:46,524,478, G>A on the plus strand (C>T on the coding strand, the complement: LOXHD1 is on the minus strand). VCF-style: chr18-46524478-G-A. GRCh37 (hg19) VCF-style: chr18-44104441-G-A.
Other names: c.1531C>T, p.Gln511Ter (NM_001145472.3); c.1243C>T, p.Gln415Ter (NM_001308013.2); c.4864C>T, p.Gln1622Ter (NM_144612.7); short protein forms Q1622*, Q415*, Q511*.
Identifiers: ClinVar variation 4816833 (VCV004816833.1).

ClinVar aggregate classification (germline): Likely pathogenic (1 of 4 stars; one submission).

Conditions:
Autosomal recessive nonsyndromic hearing loss 77. Identifiers: Orphanet 90636, MedGen C2746083, MONDO:0013119, OMIM 613079.

Submission:

Natera, Inc.
Classification: Likely pathogenic for Autosomal recessive deafness type 77. Last evaluated: 2024-12-04. Review status: criteria provided, single submitter. Criteria: Natera Variant Classification Schema (03/2026). Collection method: clinical testing. Allele origin: germline.
Comment: The c.4864C>T variant in LOXHD1 is a nonsense variant predicted to introduce a stop codon at amino acid 1622. This variant is expected to result in nonsense mediated decay, truncation, or a dysfunctional protein product. This variant is rare in the general population with a frequency below the threshold expected for the associated phenotype(s). Given the available evidence, this variant is classified as Likely Pathogenic.